The following is an entry in ClinVar:

ClinVar aggregate classification (germline): Uncertain significance (1 of 4 stars; one submission).

Submission:

GeneDx
Classification: Uncertain significance. Last evaluated: 2022-07-01. Review status: criteria provided, single submitter. Criteria: GeneDx Variant Classification Process June 2021. Collection method: clinical testing. Allele origin: germline. Affected: yes.
Comment: Not observed at significant frequency in large population cohorts (gnomAD); In silico analysis supports that this missense variant has a deleterious effect on protein structure/function; Has not been previously published as pathogenic or benign to our knowledge

NM_006766.5(KAT6A):c.5788C>T (p.Pro1930Ser)

Gene: KAT6A (lysine acetyltransferase 6A; minus strand). Cytogenetic location: 8p11.21.
Variant type: single nucleotide variant.
Coding change: c.5788C>T on transcript NM_006766.5 (MANE Select); coding-DNA position 5788, C replaced by T.
Protein change: p.Pro1930Ser; replaces proline 1930 with serine.
Molecular consequence: missense variant.
Genome position (GRCh38, 1-based): chr8:41,932,432, G>A on the plus strand (C>T on the coding strand, the complement: KAT6A is on the minus strand). VCF-style: chr8-41932432-G-A. GRCh37 (hg19) VCF-style: chr8-41789950-G-A.
Other names: short protein forms P1930S.
Identifiers: ClinVar variation 1810009 (VCV001810009.1), dbSNP rs2486750557, ClinGen allele CA371060338.
Genomic context (GRCh38, chr8:41,932,432, plus strand): 5'-GATACTGTGCTGTCTGGTTCATGTAGGCAGGGTTACTATGGTAACTGCTGTTCATCATGG[G>A]CTGTGTCATTCGATAGCTGTTCATGGCATTCAAGGTGTTCATATTCATGGAATTGACATT-3'
Protein context (NP_006757.2, residues 1920-1940): NAMNSYRMTQ[Pro1930Ser]MMNSSYHSNP